The following is an entry in ClinVar:

ClinVar aggregate classification (germline): Uncertain significance (1 of 4 stars; one submission).

gnomAD v4.1: 1 of 1,613,380 alleles (0.000062%); highest among the groups gnomAD compares: Non-Finnish European, 0.000085%; no homozygotes.

Submission:

Ambry Genetics
Classification: Uncertain significance. Last evaluated: 2024-06-06. Review status: criteria provided, single submitter. Criteria: Ambry Variant Classification Scheme 2023. Collection method: clinical testing. Allele origin: germline.
Comment: The p.L969F variant (also known as c.2905C>T), located in coding exon 15 of the NPAT gene, results from a C to T substitution at nucleotide position 2905. The leucine at codon 969 is replaced by phenylalanine, an amino acid with highly similar properties. This amino acid position is conserved. In addition, this alteration is predicted to be tolerated by in silico analysis. Based on the available evidence, the clinical significance of this variant remains unclear.

NM_002519.3(NPAT):c.2905C>T (p.Leu969Phe)

Gene: NPAT (nuclear protein, coactivator of histone transcription; minus strand). Cytogenetic location: 11q22.3.
Variant type: single nucleotide variant.
Coding change: c.2905C>T on transcript NM_002519.3 (MANE Select); coding-DNA position 2905, C replaced by T.
Protein change: p.Leu969Phe; replaces leucine 969 with phenylalanine.
Molecular consequence: missense variant.
Genome position (GRCh38, 1-based): chr11:108,169,849, G>A on the plus strand (C>T on the coding strand, the complement: NPAT is on the minus strand). VCF-style: chr11-108169849-G-A. GRCh37 (hg19) VCF-style: chr11-108040576-G-A.
Other names: c.2905C>T, p.Leu969Phe (NM_001321307.1); short protein forms L969F.
Identifiers: ClinVar variation 3300712 (VCV003300712.1).